The following is an entry in ClinVar:

NM_001363711.2(DUOX2):c.3006-2A>G

Gene: DUOX2 (dual oxidase 2; minus strand). Cytogenetic location: 15q21.1.
Variant type: single nucleotide variant.
Coding change: c.3006-2A>G on transcript NM_001363711.2 (MANE Select); the canonical splice acceptor site of the intron before coding-DNA position 3006, A replaced by G.
Molecular consequence: splice acceptor variant.
Genome position (GRCh38, 1-based): chr15:45,100,230, T>C on the plus strand (A>G on the coding strand, the complement: DUOX2 is on the minus strand). VCF-style: chr15-45100230-T-C. GRCh37 (hg19) VCF-style: chr15-45392428-T-C.
Other names: c.3006-2A>G (NM_014080.5).
Identifiers: ClinVar variation 1324302 (VCV001324302.12), dbSNP rs371960046, ClinGen allele CA7538040.

ClinVar aggregate classification (germline): Likely pathogenic. Review status: criteria provided, multiple submitters, no conflicts (2 of 4 stars). 4 submissions from 4 submitters: Likely pathogenic (4). Last evaluated 2025-01-13.

Conditions:
Thyroid dyshormonogenesis 6 (TDH6). Also called: Genetic transient congenital hypothyroidism; THYROID HORMONOGENESIS, GENETIC DEFECT IN, 6; HYPOTHYROIDISM, CONGENITAL, DUE TO DYSHORMONOGENESIS, 6. Identifiers: Orphanet 226316, Orphanet 95716, MedGen C1846632, MONDO:0011792, OMIM 607200.

Allele frequency attached by ClinVar (database versions not stated): ExAC 0.00008; gnomAD exomes 0.00010 and 0.00017; gnomAD 0.00012; ESP Exome Variant Server 0.00015; TOPMed 0.00017.

Submissions (5):

Labcorp Genetics (formerly Invitae), Labcorp
Classification: Likely pathogenic. Last evaluated: 2025-01-13. Review status: criteria provided, single submitter. Criteria: Invitae Variant Classification Sherloc (09022015). Collection method: clinical testing. Allele origin: germline.
Comment: This sequence change affects an acceptor splice site in intron 23 of the DUOX2 gene. It is expected to disrupt RNA splicing. Variants that disrupt the donor or acceptor splice site typically lead to a loss of protein function (PMID: 16199547), and loss-of-function variants in DUOX2 are known to be pathogenic (PMID: 12110737, 18765513, 21565790, 24423310, 24735383). This variant is present in population databases (rs371960046, gnomAD 0.02%). This variant has not been reported in the literature in individuals affected with DUOX2-related conditions. ClinVar contains an entry for this variant (Variation ID: 1324302). Algorithms developed to predict the effect of sequence changes on RNA splicing suggest that this variant may disrupt the consensus splice site. In summary, the currently available evidence indicates that the variant is pathogenic, but additional data are needed to prove that conclusively. Therefore, this variant has been classified as Likely Pathogenic.

Women's Health and Genetics/Laboratory Corporation of America, LabCorp
Classification: Likely pathogenic for Thyroid dyshormonogenesis 6. Last evaluated: 2024-05-30. Review status: criteria provided, single submitter. Criteria: LabCorp Variant Classification Summary - May 2015. Collection method: clinical testing. Allele origin: germline.
Comment: Variant summary: DUOX2 c.3006-2A>G is located in a canonical splice-site and is predicted to affect mRNA splicing resulting in a significantly altered protein due to either exon skipping, shortening, or inclusion of intronic material. Several computational tools predict a significant impact on normal splicing: Four predict the variant abolishes a 3' acceptor site. Three predict the variant creates a 3' acceptor site. However, these predictions have yet to be confirmed by functional studies. The variant allele was found at a frequency of 0.0001 in 248944 control chromosomes. This frequency is not significantly higher than estimated for a pathogenic variant in DUOX2 causing Thyroid Dyshormonogenesis 6, allowing no conclusion about variant significance. To our knowledge, no occurrence of c.3006-2A>G in individuals affected with Thyroid Dyshormonogenesis 6 and no experimental evidence demonstrating its impact on protein function have been reported. ClinVar contains an entry for this variant (Variation ID: 1324302). Based on the evidence outlined above, the variant was classified as likely pathogenic.

Fulgent Genetics
Classification: Likely pathogenic for Thyroid dyshormonogenesis 6. Last evaluated: 2024-04-16. Review status: criteria provided, single submitter. Criteria: ACMG Guidelines, 2015. Collection method: clinical testing. Allele origin: germline.

GeneDx
Classification: Likely pathogenic. Last evaluated: 2024-04-03. Review status: criteria provided, single submitter. Criteria: GeneDx Variant Classification Process June 2021. Collection method: clinical testing. Allele origin: germline. Affected: yes.
Comment: Identified in the heterozygous state in a healthy newborn with no evidence of congenital hypothyroidism on newborn screen as part of a study of the utility of whole genome sequencing for detection of newborn screening disorders (PMID: 26334177); Canonical splice site variant predicted to result in a null allele in a gene for which loss-of-function is a known mechanism of disease; This variant is associated with the following publications: (PMID: 33651715, 34200080, 26334177)

Dr. Peter K. Rogan Lab, Western University
No classification provided (evidence only). Condition: Colorectal cancer. Review status: no classification provided. Collection method: in vitro. Allele origin: not applicable. Functional consequence: retained intron. Not counted in ClinVar's aggregate classification.

Literature cited by the submitters: PubMed 16199547 (cited by Labcorp Genetics (formerly Invitae), Labcorp); PubMed 12110737 (cited by Labcorp Genetics (formerly Invitae), Labcorp); PubMed 18765513 (cited by Labcorp Genetics (formerly Invitae), Labcorp); PubMed 21565790 (cited by Labcorp Genetics (formerly Invitae), Labcorp); PubMed 24423310 (cited by Labcorp Genetics (formerly Invitae), Labcorp); PubMed 24735383 (cited by Labcorp Genetics (formerly Invitae), Labcorp).